The following is an entry in ClinVar:

NM_005359.6(SMAD4):c.931C>T (p.Gln311Ter)

Gene: SMAD4 (SMAD family member 4; plus strand). Cytogenetic location: 18q21.2.
Variant type: single nucleotide variant.
Coding change: c.931C>T on transcript NM_005359.6 (MANE Select); coding-DNA position 931, C replaced by T.
Protein change: p.Gln311Ter; replaces glutamine 311 with a stop codon.
Molecular consequence: nonsense.
Genome position (GRCh38, 1-based): chr18:51,059,892, C>T. VCF-style: chr18-51059892-C-T. GRCh37 (hg19) VCF-style: chr18-48586262-C-T.
Other names: short protein forms Q311*.
Identifiers: ClinVar variation 230663 (VCV000230663.8), dbSNP rs876658694, ClinGen allele CA10580984.

ClinVar aggregate classification (germline): Pathogenic. Review status: criteria provided, multiple submitters, no conflicts (2 of 4 stars). 2 submissions from 2 submitters: Pathogenic (2). Last evaluated 2023-09-14.
ClinVar aggregate classification (oncogenicity): Likely oncogenic (1 of 4 stars; one submission).

Conditions:
SMAD4-related disorder. Also called: SMAD4-related condition; SMAD4-Related disorders.
Familial thoracic aortic aneurysm and aortic dissection (TAAD). Also called: Thoracic aortic aneurysms and dissections. Identifiers: Orphanet 91387, MedGen C4707243, MONDO:0019625.
Hereditary cancer-predisposing syndrome. Also called: Neoplastic Syndromes, Hereditary; Hereditary Cancer Syndrome; Tumor predisposition; Hereditary neoplastic syndrome. Identifiers: Orphanet 140162, MedGen C0027672, MeSH D009386, MONDO:0015356.
Neoplasm. Also called: Neoplasms; Neoplasm (disease); tumor. Identifiers: MedGen C0027651, MeSH D009369, MONDO:0005070, HP:0002664.

Submissions (3):

Center for Genomic Medicine, Rigshospitalet, Copenhagen University Hospital
Classification: Likely oncogenic for Neoplasm. Last evaluated: 2025-03-04. Review status: criteria provided, single submitter. Criteria: ClinGen/CGC/VICC Guidelines for Oncogenicity, 2022. Collection method: clinical testing. Allele origin: somatic. Affected: yes.

Blueprint Genetics
Classification: Pathogenic for SMAD4-related disorders. Last evaluated: 2023-09-14. Review status: criteria provided, single submitter. Criteria: ACMG Guidelines, 2015. Collection method: clinical testing. Allele origin: de novo. Affected: yes. Observed: 1 variant allele.

Ambry Genetics
Classification: Pathogenic for Hereditary cancer-predisposing syndrome; Familial thoracic aortic aneurysm and aortic dissection. Last evaluated: 2015-03-04. Review status: criteria provided, single submitter. Criteria: Ambry Variant Classification Scheme 2023. Collection method: clinical testing. Allele origin: germline.
Comment: The p.Q311* pathogenic mutation (also known as c.931C>T) located in coding exon 7 of the SMAD4 gene, results from a C to T substitution at nucleotide position 931. This changes the amino acid from a glutamine to a stop codon within coding exon 7. Since premature stop codons are typically deleterious in nature, this alteration is interpreted as a disease-causing mutation (ACMG Recommendations for Standards for Interpretation and Reporting of Sequence Variations. Revision 2007. Genet Med. 2008;10:294).

Literature cited by the submitters: PubMed 11553622 (cited by Center for Genomic Medicine, Rigshospitalet, Copenhagen University Hospital).